The following is an entry in ClinVar:

NM_000051.4(ATM):c.181T>A (p.Phe61Ile)

Gene: ATM (ATM serine/threonine kinase; plus strand). Cytogenetic location: 11q22.3.
Variant type: single nucleotide variant.
Coding change: c.181T>A on transcript NM_000051.4 (MANE Select); coding-DNA position 181, T replaced by A.
Protein change: p.Phe61Ile; replaces phenylalanine 61 with isoleucine.
Molecular consequence: missense variant.
Genome position (GRCh38, 1-based): chr11:108,227,884, T>A. VCF-style: chr11-108227884-T-A. GRCh37 (hg19) VCF-style: chr11-108098611-T-A.
Other names: c.181T>A, p.Phe61Ile (NM_001351834.2, NM_001351835.2, NM_001351836.2); short protein forms F61I.
Identifiers: ClinVar variation 961961 (VCV000961961.9), dbSNP rs2078825833, ClinGen allele CA382520657.

ClinVar aggregate classification (germline): Uncertain significance (1 of 4 stars; one submission).

Conditions:
Ataxia-telangiectasia syndrome (AT). Also called: AT, COMPLEMENTATION GROUP C; Ataxia telangiectasia (A-T); Cerebello-oculocutaneous telangiectasia; Immunodeficiency with ataxia telangiectasia; LOUIS-BAR SYNDROME; Ataxia-telangiectasia. Identifiers: Orphanet 100, MedGen C0004135, MONDO:0008840, OMIM 208900.

Submission:

Labcorp Genetics (formerly Invitae), Labcorp
Classification: Uncertain significance for Ataxia-telangiectasia syndrome. Last evaluated: 2024-01-27. Review status: criteria provided, single submitter. Criteria: Invitae Variant Classification Sherloc (09022015). Collection method: clinical testing. Allele origin: germline.
Comment: This sequence change replaces phenylalanine, which is neutral and non-polar, with isoleucine, which is neutral and non-polar, at codon 61 of the ATM protein (p.Phe61Ile). This variant is not present in population databases (gnomAD no frequency). This variant has not been reported in the literature in individuals affected with ATM-related conditions. ClinVar contains an entry for this variant (Variation ID: 961961). Advanced modeling of protein sequence and biophysical properties (such as structural, functional, and spatial information, amino acid conservation, physicochemical variation, residue mobility, and thermodynamic stability) has been performed at Invitae for this missense variant, however the output from this modeling did not meet the statistical confidence thresholds required to predict the impact of this variant on ATM protein function. In summary, the available evidence is currently insufficient to determine the role of this variant in disease. Therefore, it has been classified as a Variant of Uncertain Significance.